The following is an entry in ClinVar:

ClinVar aggregate classification (germline): Benign/Likely benign. Review status: criteria provided, multiple submitters, no conflicts (2 of 4 stars). 16 submissions from 15 submitters: Benign (13); Likely benign (1). 2 of the submissions do not count toward it. Last evaluated 2026-02-04.

Conditions:
Facial dysmorphism-immunodeficiency-livedo-short stature syndrome. Also called: Facial dysmorphism, immunodeficiency, livedo, and short stature; FILS syndrome. Identifiers: Orphanet 352712, MedGen C3554576, MONDO:0014058, OMIM 615139.
Hereditary cancer-predisposing syndrome. Also called: Tumor predisposition; Neoplastic Syndromes, Hereditary; Hereditary neoplastic syndrome; Hereditary Cancer Syndrome. Identifiers: Orphanet 140162, MedGen C0027672, MeSH D009386, MONDO:0015356.
Intrauterine growth retardation, metaphyseal dysplasia, adrenal hypoplasia congenita, genital anomalies, and immunodeficiency. Also called: IMAGEI SYNDROME. Identifiers: MedGen C5193036, MONDO:0032684, OMIM 618336.
Colorectal cancer, susceptibility to, 12 (CRCS12). Also called: COLORECTAL CANCER, SUSCEPTIBILITY TO, ON CHROMOSOME 12q24. Identifiers: Orphanet 220460, MedGen C3554460, MONDO:0014038, OMIM 615083.

Allele frequency attached by ClinVar (database versions not stated): 1000 Genomes Project 0.12061; gnomAD 0.12807 and 0.12855; gnomAD exomes 0.12925 and 0.11515; TOPMed 0.13385; ESP Exome Variant Server 0.13571; 1000 Genomes Project 30x 0.11774; ExAC 0.11817.
gnomAD v4.1: 208,885 of 1,613,604 alleles (13%); highest among the groups gnomAD compares: South Asian, 18%; 14,816 homozygotes.

Submissions (16):

Labcorp Genetics (formerly Invitae), Labcorp
Classification: Benign. Last evaluated: 2026-02-04. Review status: criteria provided, single submitter. Criteria: Invitae Variant Classification Sherloc (09022015). Collection method: clinical testing. Allele origin: germline.

ARUP Laboratories, Molecular Genetics and Genomics, ARUP Laboratories
Classification: Benign. Last evaluated: 2025-07-30. Review status: criteria provided, single submitter. Criteria: ARUP Molecular Germline Variant Investigation Process 2024. Collection method: clinical testing. Allele origin: germline.

Institute for Biomarker Research, Medical Diagnostic Laboratories, L.L.C.
Classification: Benign for Hereditary cancer-predisposing syndrome. Last evaluated: 2024-12-23. Review status: criteria provided, single submitter. Criteria: ACMG Guidelines, 2015. Collection method: clinical testing. Allele origin: germline.
Comment: The missense variant NM_006231.4(POLE):c.4187A>G (p.Asn1396Ser) has been reported to ClinVar as Benign with a status of (2 stars) criteria provided, multiple submitters, no conflicts (Variation ID 380215 as of 2024-12-05). The p.Asn1396Ser variant is predicted to introduce a novel acceptor splice site at this position by 3 of 4 splice site algorithms, but it's impact on the gene product is unknown. The p.Asn1396Ser missense variant is predicted to be damaging by both SIFT and PolyPhen2. The nucleotide c.4187 in POLE is predicted conserved by GERP++ and PhyloP across 100 vertebrates. For these reasons, this variant has been classified as Benign

Blueprint Genetics
Classification: Likely benign. Last evaluated: 2024-11-27. Review status: criteria provided, single submitter. Criteria: ACMG Guidelines, 2015. Collection method: clinical testing. Allele origin: germline.

KCCC/NGS Laboratory, Kuwait Cancer Control Center
Classification: Benign for Colorectal cancer, susceptibility to, 12. Last evaluated: 2023-07-07. Review status: criteria provided, single submitter. Criteria: ACMG Guidelines, 2015. Collection method: clinical testing. Allele origin: germline. Affected: yes.

Mayo Clinic Laboratories, Mayo Clinic
Classification: Benign. Last evaluated: 2022-08-03. Review status: criteria provided, single submitter. Criteria: ACMG Guidelines, 2015. Collection method: clinical testing. Allele origin: germline. Observed: 170 variant alleles.
Comment: BA1, BP4

Genome-Nilou Lab
Classification: Benign for Facial dysmorphism-immunodeficiency-livedo-short stature syndrome. Last evaluated: 2021-10-25. Review status: criteria provided, single submitter. Criteria: ACMG Guidelines, 2015. Collection method: clinical testing. Allele origin: germline. Affected: no.

Genome-Nilou Lab
Classification: Benign for Intrauterine growth retardation, metaphyseal dysplasia, adrenal hypoplasia congenita, genital anomalies, and immunodeficiency. Last evaluated: 2021-10-25. Review status: criteria provided, single submitter. Criteria: ACMG Guidelines, 2015. Collection method: clinical testing. Allele origin: germline. Affected: no.

PreventionGenetics, part of Exact Sciences
Classification: Benign. Last evaluated: 2016-10-03. Review status: criteria provided, single submitter. Criteria: ACMG Guidelines, 2015. Collection method: clinical testing. Allele origin: germline.

Women's Health and Genetics/Laboratory Corporation of America, LabCorp
Classification: Benign. Last evaluated: 2016-05-19. Review status: criteria provided, single submitter. Criteria: LabCorp Variant Classification Summary - May 2015. Collection method: clinical testing. Allele origin: germline.
Comment: Variant summary: The POLE c.4187A>G (p.Asn1396Ser) variant involves the alteration of a conserved nucleotide with 2/3 in silico tools (SNPs&GO and MutationTaster not captured due to low reliability index and p-value) predict a benign outcome, although these predictions have yet to be functionally assessed. The variant of interest was observed in the large, broad control population, ExAC, with an allele frequency of 14342/121366 control chromosomes (1035 homozygotes, 1/8, freq.: 0.1181715), which significantly exceeds the estimated maximal expected allele frequency for a pathogenic POLE variant of 1/70422 (0.0000142), suggesting this variant is likely a benign polymorphism. The variant of interest has not, to our knowledge, been reported in affected individuals via publications and/or reputable databases/clinical diagnostic laboratories. Therefore, taking all available lines of evidence into consideration, the variant of interest is classified as Benign.

Laboratory for Molecular Medicine, Mass General Brigham Personalized Medicine
Classification: Benign. Last evaluated: 2016-03-29. Review status: criteria provided, single submitter. Criteria: LMM Criteria. Collection method: clinical testing. Allele origin: germline.
Comment: Variant identified in a genome or exome case(s) and assessed due to predicted null impact of the variant or pathogenic assertions in the literature or databases. Disclaimer: This variant has not undergone full assessment. The following are preliminary notes: Frequency

GeneDx
Classification: Benign. Last evaluated: 2015-11-02. Review status: criteria provided, single submitter. Criteria: GeneDx Variant Classification (06012015). Collection method: clinical testing. Allele origin: germline. Affected: yes.
Comment: This variant is considered likely benign or benign based on one or more of the following criteria: it is a conservative change, it occurs at a poorly conserved position in the protein, it is predicted to be benign by multiple in silico algorithms, and/or has population frequency not consistent with disease.

Ambry Genetics
Classification: Benign for Hereditary cancer-predisposing syndrome. Last evaluated: 2015-05-20. Review status: criteria provided, single submitter. Criteria: Ambry Variant Classification Scheme 2023. Collection method: clinical testing. Allele origin: germline.

Breakthrough Genomics
Classification: Benign. Review status: criteria provided, single submitter. Criteria: ACMG Guidelines, 2015. Collection method: not provided. Allele origin: germline. Inheritance: Autosomal recessive inheritance. Affected: yes.

Clinical Genetics, Academic Medical Center
Classification: Benign. Review status: no assertion criteria provided. Collection method: clinical testing. Allele origin: germline. Affected: yes. Study: VKGL Data-share Consensus. Not counted in ClinVar's aggregate classification.

Joint Genome Diagnostic Labs from Nijmegen and Maastricht, Radboudumc and MUMC+
Classification: Benign. Review status: no assertion criteria provided. Collection method: clinical testing. Allele origin: germline. Affected: yes. Study: VKGL Data-share Consensus. Not counted in ClinVar's aggregate classification.

NM_006231.4(POLE):c.4187A>G (p.Asn1396Ser)

Gene: POLE (DNA polymerase epsilon, catalytic subunit; minus strand). Cytogenetic location: 12q24.33.
Variant type: single nucleotide variant.
Coding change: c.4187A>G on transcript NM_006231.4 (MANE Select); coding-DNA position 4187, A replaced by G.
Protein change: p.Asn1396Ser; replaces asparagine 1396 with serine.
Molecular consequence: missense variant.
Genome position (GRCh38, 1-based): chr12:132,643,940, T>C on the plus strand (A>G on the coding strand, the complement: POLE is on the minus strand). VCF-style: chr12-132643940-T-C. GRCh37 (hg19) VCF-style: chr12-133220526-T-C.
Other names: short protein forms N1396S.
Identifiers: ClinVar variation 380215 (VCV000380215.40), dbSNP rs5744934, ClinGen allele CA6892948.
Genomic context (GRCh38, chr12:132,643,940, plus strand): 5'-GCGTTGATCTCGTTGATGTGTTCCTGGTACATGTCCTCTGGCACTGAATACTCATAGAGA[T>C]TGTAGACCATGTTGGAGCGAGGAAGGACCCGATTTACCTGGCGAGAATACGACGATGATC-3'
Protein context (NP_006222.2, residues 1386-1406): RVLPRSNMVY[Asn1396Ser]LYEYSVPEDM